The following is an entry in ClinVar:

ClinVar aggregate classification (germline): Benign/Likely benign. Review status: criteria provided, multiple submitters, no conflicts (2 of 4 stars). 6 submissions from 6 submitters: Benign (1); Likely benign (4). 1 of the submissions does not count toward it. Last evaluated 2026-06-01.

Conditions:
C2CD3-related disorder. Also called: C2CD3-related condition.
Inborn genetic diseases. Identifiers: MedGen C0950123, MeSH D030342.

Allele frequency attached by ClinVar (database versions not stated): 1000 Genomes Project 0.00300; TOPMed 0.00422; gnomAD 0.00452 and 0.00466; ExAC 0.00475; gnomAD exomes 0.00477; ESP Exome Variant Server 0.00524; 1000 Genomes Project 30x 0.00297.
gnomAD v4.1: 8,993 of 1,614,090 alleles (0.56%); highest among the groups gnomAD compares: Non-Finnish European, 0.65%; 45 homozygotes.

Submissions (6):

CeGaT Center for Human Genetics Tuebingen
Classification: Likely benign. Last evaluated: 2026-06-01. Review status: criteria provided, single submitter. Criteria: CeGaT Center For Human Genetics Tuebingen Variant Classification Criteria Version 2. Collection method: clinical testing. Allele origin: germline. Affected: yes. Observed: 5 variant alleles.
Comment: C2CD3: BP4, BS2

Labcorp Genetics (formerly Invitae), Labcorp
Classification: Likely benign. Last evaluated: 2026-02-01. Review status: criteria provided, single submitter. Criteria: Invitae Variant Classification Sherloc (09022015). Collection method: clinical testing. Allele origin: germline.

Ambry Genetics
Classification: Likely benign for Inborn genetic diseases. Last evaluated: 2021-10-18. Review status: criteria provided, single submitter. Criteria: Ambry Variant Classification Scheme 2023. Collection method: clinical testing. Allele origin: germline.

Institute for Genomic Medicine (IGM) Clinical Laboratory, Nationwide Children's Hospital
Classification: Benign. Last evaluated: 2017-07-10. Review status: criteria provided, single submitter. Criteria: ACMG Guidelines, 2015. Collection method: clinical testing. Allele origin: germline.
Comment: BS1, BS2, BP4; This alteration has an allele frequency that is greater than expected for the associated disease, was seen in a healthy adult where full penetrance of the disorder is expected at an early age, and is predicted to be tolerated by multiple functional prediction tools.

Breakthrough Genomics
Classification: Likely benign. Review status: criteria provided, single submitter. Criteria: ACMG Guidelines, 2015. Collection method: not provided. Allele origin: germline. Inheritance: Autosomal recessive inheritance. Affected: yes.

PreventionGenetics, part of Exact Sciences
Classification: Likely benign for C2CD3-related condition. Last evaluated: 2022-07-14. Review status: no assertion criteria provided. Collection method: clinical testing. Allele origin: germline. Not counted in ClinVar's aggregate classification.
Comment: This variant is classified as likely benign based on ACMG/AMP sequence variant interpretation guidelines (Richards et al. 2015 PMID: 25741868, with internal and published modifications).

NM_001286577.2(C2CD3):c.2659G>A (p.Val887Met)

Gene: C2CD3 (C2 domain containing 3 centriole elongation regulator; minus strand). Cytogenetic location: 11q13.4.
Variant type: single nucleotide variant.
Coding change: c.2659G>A on transcript NM_001286577.2 (MANE Select); coding-DNA position 2659, G replaced by A.
Protein change: p.Val887Met; replaces valine 887 with methionine.
Molecular consequence: missense variant.
Genome position (GRCh38, 1-based): chr11:74,100,598, C>T on the plus strand (G>A on the coding strand, the complement: C2CD3 is on the minus strand). VCF-style: chr11-74100598-C-T. GRCh37 (hg19) VCF-style: chr11-73811643-C-T.
Other names: c.2659G>A, p.Val887Met (NM_015531.6); c.2659G>A (NM_015531.4); short protein forms V887M.
Identifiers: ClinVar variation 599458 (VCV000599458.42), dbSNP rs117535770, ClinGen allele CA6182599.